The following is an entry in ClinVar:

ClinVar aggregate classification (germline): Likely pathogenic (1 of 4 stars; one submission).

Submission:

GeneDx
Classification: Likely pathogenic. Last evaluated: 2018-05-22. Review status: criteria provided, single submitter. Criteria: GeneDx Variant Classification (06012015). Collection method: clinical testing. Allele origin: germline. Affected: yes.
Comment: The N701K variant has been reported in a patient with Niemann-Pick disease, type C who also had a second pathogenic variant in the NPC1 gene (Cologna et al. 2012). The N701K variant is not observed in large population cohorts (Lek et al., 2016). In-silico analyses, including protein predictors and evolutionary conservation, support a deleterious effect. In summary, we interpret this variant as likely pathogenic.

NM_000271.5(NPC1):c.2103C>G (p.Asn701Lys)

Gene: NPC1 (NPC intracellular cholesterol transporter 1; minus strand). Cytogenetic location: 18q11.2.
Variant type: single nucleotide variant.
Coding change: c.2103C>G on transcript NM_000271.5 (MANE Select); coding-DNA position 2103, C replaced by G.
Protein change: p.Asn701Lys; replaces asparagine 701 with lysine.
Molecular consequence: missense variant.
Genome position (GRCh38, 1-based): chr18:23,544,371, G>C on the plus strand (C>G on the coding strand, the complement: NPC1 is on the minus strand). VCF-style: chr18-23544371-G-C. GRCh37 (hg19) VCF-style: chr18-21124335-G-C.
Other names: short protein forms N701K.
Identifiers: ClinVar variation 546521 (VCV000546521.2), dbSNP rs7227375, ClinGen allele CA401771302.